The following is an entry in ClinVar:

NM_001114753.3(ENG):c.174del (p.Asn59fs)

Gene: ENG (endoglin; minus strand). Cytogenetic location: 9q34.11.
Variant type: Deletion.
Coding change: c.174del on transcript NM_001114753.3 (MANE Select); coding-DNA position 174, one base deleted (C; older notation c.174delC).
Protein change: p.Asn59fs; shifts the reading frame from asparagine 59.
Molecular consequence: frameshift variant. On other transcripts: 5 prime UTR variant (1).
Genome position (GRCh38, 1-based): chr9:127,843,139, G deleted on the plus strand (C on the coding strand, the reverse complement: ENG is on the minus strand); the first of 5 consecutive G bases (chr9:127,843,139-127,843,143); deleting any one gives the same sequence. VCF-style (leftmost placement, unchanged base first): chr9-127843138-TG-T. GRCh37 (hg19) VCF-style: chr9-130605417-TG-T.
Other names: c.174del, p.Asn59fs (NM_000118.4, NM_001406715.1); c.-373del (NM_001278138.2); short protein forms N59fs.
Identifiers: ClinVar variation 3728661 (VCV003728661.2).

ClinVar aggregate classification (germline): Pathogenic (1 of 4 stars; one submission).

Conditions:
Hereditary hemorrhagic telangiectasia (HHT). Also called: ORW DISEASE; Osler Weber Rendu syndrome; OSLER-RENDU-WEBER DISEASE; Osler hemorrhagic telangiectasia syndrome. Identifiers: Orphanet 774, MedGen C0039445, MONDO:0019180. Disease mechanism: loss of function.

Submission:

Labcorp Genetics (formerly Invitae), Labcorp
Classification: Pathogenic for Hereditary hemorrhagic telangiectasia. Last evaluated: 2025-01-07. Review status: criteria provided, single submitter. Criteria: Invitae Variant Classification Sherloc (09022015). Collection method: clinical testing. Allele origin: germline.
Comment: This sequence change creates a premature translational stop signal (p.Asn59Metfs*22) in the ENG gene. It is expected to result in an absent or disrupted protein product. Loss-of-function variants in ENG are known to be pathogenic (PMID: 15879500). This variant is not present in population databases (gnomAD no frequency). This variant has not been reported in the literature in individuals affected with ENG-related conditions. For these reasons, this variant has been classified as Pathogenic.

Literature cited by the submitters: PubMed 15879500.